The following is an entry in ClinVar:

NM_001379180.1(ESRRB):c.884G>C (p.Ser295Thr)

Gene: ESRRB (estrogen related receptor beta; plus strand). Cytogenetic location: 14q24.3.
Variant type: single nucleotide variant.
Coding change: c.884G>C on transcript NM_001379180.1 (MANE Select); coding-DNA position 884, G replaced by C.
Protein change: p.Ser295Thr; replaces serine 295 with threonine.
Molecular consequence: missense variant.
Genome position (GRCh38, 1-based): chr14:76,491,480, G>C. VCF-style: chr14-76491480-G-C. GRCh37 (hg19) VCF-style: chr14-76957823-G-C.
Other names: c.821G>C, p.Ser274Thr (NM_004452.4); short protein forms S274T, S295T.
Identifiers: ClinVar variation 1524531 (VCV001524531.8), dbSNP rs2140050235, ClinGen allele CA390478850.

ClinVar aggregate classification (germline): Uncertain significance (1 of 4 stars; one submission).

Submission:

Labcorp Genetics (formerly Invitae), Labcorp
Classification: Uncertain significance. Last evaluated: 2022-02-05. Review status: criteria provided, single submitter. Criteria: Invitae Variant Classification Sherloc (09022015). Collection method: clinical testing. Allele origin: germline.
Comment: This variant is not present in population databases (gnomAD no frequency). In summary, the available evidence is currently insufficient to determine the role of this variant in disease. Therefore, it has been classified as a Variant of Uncertain Significance. Algorithms developed to predict the effect of missense changes on protein structure and function are either unavailable or do not agree on the potential impact of this missense change (SIFT: "Tolerated"; PolyPhen-2: "Possibly Damaging"; Align-GVGD: "Class C0"). This variant has not been reported in the literature in individuals affected with ESRRB-related conditions. This sequence change replaces serine, which is neutral and polar, with threonine, which is neutral and polar, at codon 274 of the ESRRB protein (p.Ser274Thr).